The following is an entry in ClinVar:

NM_000186.4(CFH):c.1778T>A (p.Leu593Ter)

Gene: CFH (complement factor H; plus strand). Cytogenetic location: 1q31.3.
Variant type: single nucleotide variant.
Coding change: c.1778T>A on transcript NM_000186.4 (MANE Select); coding-DNA position 1778, T replaced by A.
Protein change: p.Leu593Ter; replaces leucine 593 with a stop codon.
Molecular consequence: nonsense.
Genome position (GRCh38, 1-based): chr1:196,725,202, T>A. VCF-style: chr1-196725202-T-A. GRCh37 (hg19) VCF-style: chr1-196694332-T-A.
Other names: short protein forms L593*.
Identifiers: ClinVar variation 4291421 (VCV004291421.2).

ClinVar aggregate classification (germline): Pathogenic (1 of 4 stars; one submission).

Conditions:
Atypical hemolytic-uremic syndrome. Identifiers: Orphanet 2134, MedGen C2931788, MONDO:0016244.
Age related macular degeneration 4. Identifiers: MedGen C1853147, MONDO:0012540, OMIM 610698.
Factor H deficiency (CFHD). Also called: COMPLEMENT FACTOR H DEFICIENCY; CFH DEFICIENCY. Identifiers: Orphanet 200421, MedGen C0398777, MONDO:0012350, OMIM 609814.

Submission:

Genomenon, Inc
Classification: Pathogenic for Age related macular degeneration 4; Atypical hemolytic-uremic syndrome; Factor H deficiency. Last evaluated: 2026-09-17. Review status: criteria provided, single submitter. Criteria: Genomenon Sequence Variant Interpretation Standards - Updated. Collection method: curation. Allele origin: germline. Affected: yes.
Comment: CFH p.Leu593Ter (c.1778T>A) is a nonsense variant that introduces a premature stop codon at amino acid position 593 and is predicted to result in a truncated or absent protein product. This variant has been observed in at least one proband affected with a CFH-related disorder (PMID: 34508573; 25616634; 36246952; 29888403; 26111482). The variant was found to segregate with disease in at least one affected family (PMID: 36246952). Functional studies have been reported (PMID: 34508573). It is absent or not present at a significant frequency in gnomAD. In conclusion, we classify CFH p.Leu593Ter (c.1778T>A) as a pathogenic variant.

Literature cited by the submitters: PubMed 34508573; PubMed 25616634; PubMed 36246952; PubMed 29888403; PubMed 26111482.